The following is an entry in ClinVar:

ClinVar aggregate classification (germline): Uncertain significance. Review status: criteria provided, multiple submitters, no conflicts (2 of 4 stars). 2 submissions from 2 submitters: Uncertain significance (2). Last evaluated 2025-08-09.

gnomAD v4.1: 10 of 1,614,122 alleles (0.00062%); highest among the groups gnomAD compares: Non-Finnish European, 0.00085%; no homozygotes.

Submissions (2):

Ambry Genetics
Classification: Uncertain significance. Last evaluated: 2025-08-09. Review status: criteria provided, single submitter. Criteria: Ambry Variant Classification Scheme 2023. Collection method: clinical testing. Allele origin: germline.

Labcorp Genetics (formerly Invitae), Labcorp
Classification: Uncertain significance. Last evaluated: 2025-02-09. Review status: criteria provided, single submitter. Criteria: Invitae Variant Classification Sherloc (09022015). Collection method: clinical testing. Allele origin: germline.
Comment: This sequence change replaces proline, which is neutral and non-polar, with leucine, which is neutral and non-polar, at codon 784 of the AGAP1 protein (p.Pro784Leu). This variant is not present in population databases (gnomAD no frequency). This variant has not been reported in the literature in individuals affected with AGAP1-related conditions. An algorithm developed to predict the effect of missense changes on protein structure and function (PolyPhen-2) suggests that this variant is likely to be disruptive. In summary, the available evidence is currently insufficient to determine the role of this variant in disease. Therefore, it has been classified as a Variant of Uncertain Significance.

NM_001037131.3(AGAP1):c.2510C>T (p.Pro837Leu)

Gene: AGAP1 (ArfGAP with GTPase domain, ankyrin repeat and PH domain 1; plus strand). Cytogenetic location: 2q37.2.
Variant type: single nucleotide variant.
Coding change: c.2510C>T on transcript NM_001037131.3 (MANE Select); coding-DNA position 2510, C replaced by T.
Protein change: p.Pro837Leu; replaces proline 837 with leucine.
Molecular consequence: missense variant.
Genome position (GRCh38, 1-based): chr2:236,124,058, C>T. VCF-style: chr2-236124058-C-T. GRCh37 (hg19) VCF-style: chr2-237032702-C-T.
Other names: c.3305C>T, p.Pro1102Leu (NM_001436125.1); c.3146C>T, p.Pro1049Leu (NM_001436126.1); c.2351C>T, p.Pro784Leu (NM_014914.5); short protein forms P837L, P1049L, P1102L, P784L.
Identifiers: ClinVar variation 4249146 (VCV004249146.2).